The following is an entry in ClinVar:

NC_000022.11:g.(?_28687897)_(28719495_?)dup

Gene: CHEK2 (checkpoint kinase 2; minus strand). Cytogenetic location: 22q12.1.
Variant type: Duplication.
Identifiers: ClinVar variation 831461 (VCV000831461.7).

ClinVar aggregate classification (germline): Uncertain significance (1 of 4 stars; one submission).

Conditions:
Familial cancer of breast. Also called: BREAST CANCER, FAMILIAL; Hereditary breast cancer; hereditary breast carcinoma. Identifiers: Orphanet 227535, MedGen C0346153, MONDO:0016419, OMIM 114480. Disease mechanism: loss of function.

Submission:

Labcorp Genetics (formerly Invitae), Labcorp
Classification: Uncertain significance for Familial cancer of breast. Last evaluated: 2022-11-01. Review status: criteria provided, single submitter. Criteria: Invitae Variant Classification Sherloc (09022015). Collection method: clinical testing. Allele origin: germline.
Comment: This variant results in a copy number gain of the genomic region encompassing exon(s) 5-15 of the CHEK2 gene. This region includes the termination codon of the gene. This copy number gain extends beyond the assayed region for this gene and therefore may encompass additional genes. As the precise location of this event is unknown, it may be in tandem or it may be located elsewhere in the genome. This variant has not been reported in the literature in individuals affected with CHEK2-related conditions. Experimental studies and prediction algorithms are not available or were not evaluated, and the functional significance of this variant is currently unknown. In summary, the available evidence is currently insufficient to determine the role of this variant in disease. Therefore, it has been classified as a Variant of Uncertain Significance.